The following is an entry in ClinVar:

ClinVar aggregate classification (germline): Benign (1 of 4 stars; one submission).

Conditions:
Birt-Hogg-Dube syndrome 1 (BHD1). Also called: FIBROFOLLICULOMAS WITH TRICHODISCOMAS AND ACROCHORDONS. Identifiers: Orphanet 122, MedGen CN375946, MONDO:0800445, OMIM 135150.

Submission:

Myriad Genetics, Inc.
Classification: Benign for Birt-Hogg-Dube syndrome 1. Last evaluated: 2024-10-22. Review status: criteria provided, single submitter. Criteria: Myriad Autosomal Dominant, Autosomal Recessive and X-Linked Classification Criteria (2023). Collection method: clinical testing. Allele origin: unknown.
Comment: This variant is considered benign. This variant is a silent/synonymous amino acid change and it is not expected to impact splicing.

NM_144997.7(FLCN):c.405T>C (p.Pro135=)

Gene: FLCN (folliculin; minus strand). Cytogenetic location: 17p11.2.
Variant type: single nucleotide variant.
Coding change: c.405T>C on transcript NM_144997.7 (MANE Select); coding-DNA position 405, T replaced by C.
Protein change: p.Pro135=; no amino-acid change (proline 135 retained).
Molecular consequence: synonymous variant.
Genome position (GRCh38, 1-based): chr17:17,224,135, A>G on the plus strand (T>C on the coding strand, the complement: FLCN is on the minus strand). VCF-style: chr17-17224135-A-G. GRCh37 (hg19) VCF-style: chr17-17127449-A-G.
Other names: c.459T>C, p.Pro153= (NM_001353229.2); c.405T>C, p.Pro135= (NM_001353230.2, NM_001353231.2, NM_144606.7).
Identifiers: ClinVar variation 3773064 (VCV003773064.1).
Genomic context (GRCh38, chr17:17,224,135, plus strand): 5'-GGTGTGGCTGAACACAAAGCCGTGCTGCTCATCTCCGAAGAAGATGGGGCCTTCACGGCC[A>G]GGGCAGACCTGGAGGGACACCGGCGACTCAGACAGCCCTTTCCTCGCTTAGTGACACCAA-3'
Protein context (NP_659434.2, residues 125-145): CVRSLSCEVC[Pro135=]GREGPIFFGD